The following is an entry in ClinVar:

ClinVar aggregate classification (germline): Pathogenic (1 of 4 stars; one submission).

Submission:

Labcorp Genetics (formerly Invitae), Labcorp
Classification: Pathogenic. Last evaluated: 2022-03-06. Review status: criteria provided, single submitter. Criteria: Invitae Variant Classification Sherloc (09022015). Collection method: clinical testing. Allele origin: germline.
Comment: For these reasons, this variant has been classified as Pathogenic. ClinVar contains an entry for this variant (Variation ID: 1071839). This variant has not been reported in the literature in individuals affected with NPHS1-related conditions. This variant is not present in population databases (gnomAD no frequency). This sequence change creates a premature translational stop signal (p.Gly1043Alafs*2) in the NPHS1 gene. It is expected to result in an absent or disrupted protein product. Loss-of-function variants in NPHS1 are known to be pathogenic (PMID: 11317351, 11854170, 12039988).

Literature cited by the submitters: PubMed 11317351; PubMed 11854170; PubMed 12039988.

NM_004646.4(NPHS1):c.3128_3132del (p.Gly1043fs)

Gene: NPHS1 (NPHS1 adhesion molecule, nephrin; minus strand). Cytogenetic location: 19q13.12.
Variant type: Deletion.
Coding change: c.3128_3132del on transcript NM_004646.4 (MANE Select); coding-DNA positions 3128 to 3132, 5 bases deleted (GAGAA; older notation c.3128_3132delGAGAA).
Protein change: p.Gly1043fs; shifts the reading frame from glycine 1043.
Molecular consequence: frameshift variant.
Genome position (GRCh38, 1-based): chr19:35,835,739-35,835,743, TTCTC deleted on the plus strand (GAGAA on the coding strand, the reverse complement: NPHS1 is on the minus strand). VCF-style (leftmost placement, unchanged base first): chr19-35835738-GTTCTC-G. GRCh37 (hg19) VCF-style: chr19-36326640-GTTCTC-G.
Other names: short protein forms G1043fs.
Identifiers: ClinVar variation 1071839 (VCV001071839.4), dbSNP rs2146812210, ClinGen allele CA2499225446.